The following is an entry in ClinVar:

ClinVar aggregate classification (germline): Uncertain significance (1 of 4 stars; one submission).

Allele frequency attached by ClinVar (database versions not stated): gnomAD exomes below 0.00001; gnomAD 0.00001; TOPMed 0.00001.
gnomAD v4.1: 3 of 1,600,776 alleles (0.00019%); highest among the groups gnomAD compares: African/African-American, 0.0013%; no homozygotes.

Submission:

Labcorp Genetics (formerly Invitae), Labcorp
Classification: Uncertain significance. Last evaluated: 2022-09-14. Review status: criteria provided, single submitter. Criteria: Invitae Variant Classification Sherloc (09022015). Collection method: clinical testing. Allele origin: germline.
Comment: This sequence change replaces serine, which is neutral and polar, with asparagine, which is neutral and polar, at codon 449 of the SLC26A1 protein (p.Ser449Asn). This variant is not present in population databases (gnomAD no frequency). This variant has not been reported in the literature in individuals affected with SLC26A1-related conditions. Algorithms developed to predict the effect of missense changes on protein structure and function are either unavailable or do not agree on the potential impact of this missense change (SIFT: "Deleterious"; PolyPhen-2: "Probably Damaging"; Align-GVGD: "Class C0"). In summary, the available evidence is currently insufficient to determine the role of this variant in disease. Therefore, it has been classified as a Variant of Uncertain Significance.

NM_022042.4(SLC26A1):c.1346G>A (p.Ser449Asn)

Genes: IDUA (alpha-L-iduronidase; plus strand), SLC26A1 (solute carrier family 26 member 1; minus strand). Cytogenetic location: 4p16.3.
Variant type: single nucleotide variant.
Coding change: c.1346G>A on transcript NM_022042.4 (MANE Select); coding-DNA position 1346, G replaced by A.
Protein change: p.Ser449Asn; replaces serine 449 with asparagine.
Molecular consequence: missense variant. On other transcripts: intron variant (2).
Genome position (GRCh38, 1-based): chr4:989,593, C>T on the plus strand (G>A on the coding strand, the complement: SLC26A1 is on the minus strand). VCF-style: chr4-989593-C-T. GRCh37 (hg19) VCF-style: chr4-983381-C-T.
Other names: c.1346G>A, p.Ser449Asn (NM_213613.4); c.576+1535G>A (NM_134425.4); c.299+1644C>T (NM_000203.5); short protein forms S449N.
Identifiers: ClinVar variation 1718498 (VCV001718498.5), dbSNP rs1212069906, ClinGen allele CA355951806.